The following is an entry in ClinVar:

NM_001267550.2(TTN):c.90657del (p.Ile30220fs)

Genes: TTN (titin; minus strand), TTN-AS1 (TTN antisense RNA 1; plus strand). Cytogenetic location: 2q31.2.
Variant type: Deletion.
Coding change: c.90657del on transcript NM_001267550.2 (MANE Select); coding-DNA position 90657, one base deleted (C; older notation c.90657delC).
Protein change: p.Ile30220fs; shifts the reading frame from isoleucine 30220.
Molecular consequence: frameshift variant.
Genome position (GRCh38, 1-based): chr2:178,552,243, G deleted on the plus strand (C on the coding strand, the reverse complement: TTN is on the minus strand). VCF-style (leftmost placement, unchanged base first): chr2-178552242-TG-T. GRCh37 (hg19) VCF-style: chr2-179416969-TG-T.
Other names: p.Ile28579Serfs*70; c.85734del, p.Ile28579fs (NM_001256850.1); c.63462del, p.Ile21155fs (NM_003319.4); c.82953del, p.Ile27652fs (NM_133378.4); c.63837del, p.Ile21280fs (NM_133432.3); c.64038del, p.Ile21347fs (NM_133437.4); c.63462delC (NM_003319.4); short protein forms I21155fs, I21280fs, I21347fs, I27652fs, I28579fs, I30220fs.
Identifiers: ClinVar variation 2683639 (VCV002683639.5), dbSNP rs2469283054, ClinGen allele CA2577170490.

ClinVar aggregate classification (germline): Likely pathogenic. Review status: criteria provided, multiple submitters, no conflicts (2 of 4 stars). 3 submissions from 3 submitters: Likely pathogenic (3). Last evaluated 2025-08-30.

Conditions:
Cardiovascular phenotype. Identifiers: MedGen CN230736.
Dilated cardiomyopathy 1G (CMD1G). Identifiers: Orphanet 154, MedGen C1858763, MONDO:0011400, OMIM 604145.
Autosomal recessive limb-girdle muscular dystrophy type 2J (LGMDR10). Also called: MUSCULAR DYSTROPHY, LIMB-GIRDLE, AUTOSOMAL RECESSIVE 10; Limb-girdle muscular dystrophy, type 2J. Identifiers: Orphanet 140922, MedGen C1837342, MONDO:0012127, OMIM 608807.

Allele frequency attached by ClinVar (database versions not stated): gnomAD exomes below 0.00001.

Submissions (3):

Labcorp Genetics (formerly Invitae), Labcorp
Classification: Likely pathogenic for Dilated cardiomyopathy 1G; Autosomal recessive limb-girdle muscular dystrophy type 2J. Last evaluated: 2025-08-30. Review status: criteria provided, single submitter. Criteria: Invitae Variant Classification Sherloc (09022015). Collection method: clinical testing. Allele origin: germline.
Comment: This sequence change creates a premature translational stop signal (p.Ile30220Serfs*70) in the TTN gene. While this is not anticipated to result in nonsense mediated decay, it is expected to create a truncated TTN protein. This variant is not present in population databases (gnomAD no frequency). This variant has not been reported in the literature in individuals affected with TTN-related conditions. ClinVar contains an entry for this variant (Variation ID: 2683639). This variant is located in the A band of TTN (PMID: 25589632). Truncating variants in this region are significantly overrepresented in patients affected with dilated cardiomyopathy (PMID: 25589632). Truncating variants in this region have also been reported in individuals affected with autosomal recessive centronuclear myopathy (PMID: 23975875). In summary, the currently available evidence indicates that the variant is pathogenic, but additional data are needed to prove that conclusively. Therefore, this variant has been classified as Likely Pathogenic.

Ambry Genetics
Classification: Likely pathogenic for Cardiovascular phenotype. Last evaluated: 2025-01-09. Review status: criteria provided, single submitter. Criteria: Ambry Variant Classification Scheme 2023. Collection method: clinical testing. Allele origin: germline.
Comment: The c.63462delC variant, located in coding exon 162 of the TTN gene, results from a deletion of one nucleotide at nucleotide position 63462, causing a translational frameshift with a predicted alternate stop codon (p.I21155Sfs*70). This exon is located in the A-band region of the N2-B isoform of the titin protein and is constitutively expressed in TTN transcripts (percent spliced in or PSI 100%). This alteration is expected to result in loss of function by premature protein truncation or nonsense-mediated mRNA decay. While truncating variants in TTN are present in 1-3% of the general population, truncating variants in the A-band are the most common cause of dilated cardiomyopathy (DCM) (Herman DS et al. N. Engl. J. Med., 2012 Feb;366:619-28; Roberts AM et al. Sci Transl Med, 2015 Jan;7:270ra6). TTN truncating variants encoded in constitutive exons (PSI >90%) have been found to be significantly associated with DCM regardless of their position in titin (Schafer S et al. Nat. Genet., 2017 01;49:46-53). This variant is considered to be rare based on population cohorts in the Genome Aggregation Database (gnomAD). Based on the majority of available evidence to date, this variant is likely to be pathogenic.

Mayo Clinic Laboratories, Mayo Clinic
Classification: Likely pathogenic. Last evaluated: 2022-08-16. Review status: criteria provided, single submitter. Criteria: ACMG Guidelines, 2015. Collection method: clinical testing. Allele origin: germline. Observed: 1 variant allele.
Comment: PM2_supporting, PVS1

Literature cited by the submitters: PubMed 25589632 (cited by Labcorp Genetics (formerly Invitae), Labcorp); PubMed 23975875 (cited by Labcorp Genetics (formerly Invitae), Labcorp).